The following is an entry in ClinVar:

NM_000287.4(PEX6):c.1405C>T (p.Arg469Trp)

Gene: PEX6 (peroxisomal biogenesis factor 6; minus strand). Cytogenetic location: 6p21.1.
Variant type: single nucleotide variant.
Coding change: c.1405C>T on transcript NM_000287.4 (MANE Select); coding-DNA position 1405, C replaced by T.
Protein change: p.Arg469Trp; replaces arginine 469 with tryptophan.
Molecular consequence: missense variant. On other transcripts: non-coding transcript variant (1).
Genome position (GRCh38, 1-based): chr6:42,968,948, G>A on the plus strand (C>T on the coding strand, the complement: PEX6 is on the minus strand). VCF-style: chr6-42968948-G-A. GRCh37 (hg19) VCF-style: chr6-42936686-G-A.
Other names: c.1141C>T, p.Arg381Trp (NM_001316313.2); short protein forms R469W, R381W.
Identifiers: ClinVar variation 288981 (VCV000288981.11), dbSNP rs757334412, ClinGen allele CA10606284.

ClinVar aggregate classification (germline): Uncertain significance. Review status: criteria provided, multiple submitters, no conflicts (2 of 4 stars). 4 submissions from 4 submitters: Uncertain significance (3). 1 of the submissions does not count toward it. Last evaluated 2026-02-27.

Conditions:
Zellweger spectrum disorders (ZS). Also called: Zellweger syndrome; Zellweger Spectrum Disorder (ZSD); Zellweger Spectrum Disorder; Zellweger Spectrum. Identifiers: Orphanet 912, MedGen C0043459, MONDO:0019609.
PEX6-related disorder. Also called: PEX6-related condition; PEX6-related disorders.
Peroxisome biogenesis disorder. Identifiers: Orphanet 79189, MedGen C1832200, MONDO:0019234. Disease mechanism: loss of function.

Allele frequency attached by ClinVar (database versions not stated): gnomAD exomes 0.00001 and 0.00002; gnomAD 0.00003.

Submissions (4):

PreventionGenetics, part of Exact Sciences
Classification: Uncertain significance for PEX6-related condition. Last evaluated: 2026-02-27. Review status: criteria provided, single submitter. Criteria: ACMG Guidelines, 2015. Collection method: clinical testing. Allele origin: germline.
Comment: The PEX6 c.1405C>T variant is predicted to result in the amino acid substitution p.Arg469Trp. To our knowledge, this variant has not been reported in the literature. This variant is reported in 0.0056% of alleles in individuals of Latino descent in gnomAD. At this time, the clinical significance of this variant is uncertain due to the absence of conclusive functional and genetic evidence.

Labcorp Genetics (formerly Invitae), Labcorp
Classification: Uncertain significance for Peroxisome biogenesis disorder. Last evaluated: 2025-04-10. Review status: criteria provided, single submitter. Criteria: Invitae Variant Classification Sherloc (09022015). Collection method: clinical testing. Allele origin: germline.
Comment: This sequence change replaces arginine, which is basic and polar, with tryptophan, which is neutral and slightly polar, at codon 469 of the PEX6 protein (p.Arg469Trp). This variant is present in population databases (rs757334412, gnomAD 0.003%). This variant has not been reported in the literature in individuals affected with PEX6-related conditions. ClinVar contains an entry for this variant (Variation ID: 288981). Invitae Evidence Modeling of protein sequence and biophysical properties (such as structural, functional, and spatial information, amino acid conservation, physicochemical variation, residue mobility, and thermodynamic stability) indicates that this missense variant is not expected to disrupt PEX6 protein function with a negative predictive value of 95%. In summary, the available evidence is currently insufficient to determine the role of this variant in disease. Therefore, it has been classified as a Variant of Uncertain Significance.

Eurofins Ntd Llc (ga)
Classification: Uncertain significance. Last evaluated: 2016-06-22. Review status: criteria provided, single submitter. Criteria: EGL Classification Definitions 2015. Collection method: clinical testing. Allele origin: germline. Observed: 1 variant allele, 1 heterozygote.

Natera, Inc.
Classification: Uncertain significance for Zellweger syndrome. Last evaluated: 2020-04-05. Review status: no assertion criteria provided. Collection method: clinical testing. Allele origin: germline. Not counted in ClinVar's aggregate classification.